The following is an entry in ClinVar:

NM_025074.7(FRAS1):c.3212G>T (p.Gly1071Val)

Gene: FRAS1 (Fraser extracellular matrix complex subunit 1; plus strand). Cytogenetic location: 4q21.21.
Variant type: single nucleotide variant.
Coding change: c.3212G>T on transcript NM_025074.7 (MANE Select); coding-DNA position 3212, G replaced by T.
Protein change: p.Gly1071Val; replaces glycine 1071 with valine.
Molecular consequence: missense variant.
Genome position (GRCh38, 1-based): chr4:78,375,799, G>T. VCF-style: chr4-78375799-G-T. GRCh37 (hg19) VCF-style: chr4-79296953-G-T.
Other names: c.3212G>T, p.Gly1071Val (NM_001166133.2); short protein forms G1071V.
Identifiers: ClinVar variation 1370530 (VCV001370530.6), dbSNP rs746618346, ClinGen allele CA357375038.

ClinVar aggregate classification (germline): Uncertain significance. Review status: criteria provided, multiple submitters, no conflicts (2 of 4 stars). 2 submissions from 2 submitters: Uncertain significance (2). Last evaluated 2024-05-07.

Conditions:
Fraser syndrome 1 (FRASRS1). Also called: CRYPTOPHTHALMOS WITH OTHER MALFORMATIONS. Identifiers: Orphanet 2052, MedGen C4551480, MONDO:0054737, OMIM 219000.

Allele frequency attached by ClinVar (database versions not stated): gnomAD 0.00001; TOPMed 0.00001.
gnomAD v4.1: 8 of 1,612,904 alleles (0.0005%); highest among the groups gnomAD compares: Non-Finnish European, 0.00059%; no homozygotes.

Submissions (2):

Fulgent Genetics
Classification: Uncertain significance for Fraser syndrome 1. Last evaluated: 2024-05-07. Review status: criteria provided, single submitter. Criteria: ACMG Guidelines, 2015. Collection method: clinical testing. Allele origin: germline.

Labcorp Genetics (formerly Invitae), Labcorp
Classification: Uncertain significance. Last evaluated: 2021-08-31. Review status: criteria provided, single submitter. Criteria: Invitae Variant Classification Sherloc (09022015). Collection method: clinical testing. Allele origin: germline.
Comment: This sequence change replaces glycine with valine at codon 1071 of the FRAS1 protein (p.Gly1071Val). The glycine residue is moderately conserved and there is a moderate physicochemical difference between glycine and valine. This variant is not present in population databases (ExAC no frequency). This variant has not been reported in the literature in individuals affected with FRAS1-related conditions. Algorithms developed to predict the effect of missense changes on protein structure and function are either unavailable or do not agree on the potential impact of this missense change (SIFT: "Deleterious"; PolyPhen-2: "Benign"; Align-GVGD: "Class C0"). In summary, the available evidence is currently insufficient to determine the role of this variant in disease. Therefore, it has been classified as a Variant of Uncertain Significance.